The following is an entry in ClinVar:

NM_001378454.1(ALMS1):c.12169_12171delinsTTA (p.Lys4057Leu)

Genes: ALMS1 (ALMS1 centrosome and basal body associated protein; plus strand), LOC126806252 (BRD4-independent group 4 enhancer GRCh37_chr2:73828496-73829695; plus strand). Cytogenetic location: 2p13.1.
Variant type: Indel.
Coding change: c.12169_12171delinsTTA on transcript NM_001378454.1 (MANE Select); coding-DNA positions 12169 to 12171, AAG replaced by TTA.
Protein change: p.Lys4057Leu; replaces lysine 4057 with leucine.
Molecular consequence: missense variant.
Genome position (GRCh38, 1-based): chr2:73,602,239-73,602,241, AAG replaced by TTA. VCF-style: chr2-73602239-AAG-TTA. GRCh37 (hg19) VCF-style: chr2-73829366-AAG-TTA.
Other names: c.12172_12174delinsTTA, p.Lys4058Leu (NM_015120.4); short protein forms K4057L, K4058L.
Identifiers: ClinVar variation 4994038 (VCV004994038.1).

ClinVar aggregate classification (germline): Likely benign (1 of 4 stars; one submission).

Conditions:
ALMS1-related disorder. Also called: ALMS1-related condition.

Submission:

PreventionGenetics, part of Exact Sciences
Classification: Likely benign for ALMS1-related condition. Last evaluated: 2026-06-18. Review status: criteria provided, single submitter. Criteria: ACMG Guidelines, 2015. Collection method: clinical testing. Allele origin: germline.
Comment: This variant is classified as likely benign based on ACMG/AMP sequence variant interpretation guidelines (Richards et al. 2015 PMID: 25741868, with internal and published modifications).